The following is an entry in ClinVar:

NM_001267550.2(TTN):c.58653T>C (p.Ile19551=)

Genes: TTN (titin; minus strand), TTN-AS1 (TTN antisense RNA 1; plus strand). Cytogenetic location: 2q31.2.
Variant type: single nucleotide variant.
Coding change: c.58653T>C on transcript NM_001267550.2 (MANE Select); coding-DNA position 58653, T replaced by C.
Protein change: p.Ile19551=; no amino-acid change (isoleucine 19551 retained).
Molecular consequence: synonymous variant.
Genome position (GRCh38, 1-based): chr2:178,593,647, A>G on the plus strand (T>C on the coding strand, the complement: TTN is on the minus strand). VCF-style: chr2-178593647-A-G. GRCh37 (hg19) VCF-style: chr2-179458374-A-G.
Other names: c.50949T>C, p.Ile16983= (NM_133378.4); c.53730T>C, p.Ile17910= (NM_001256850.1); c.31458T>C, p.Ile10486= (NM_003319.4); c.31833T>C, p.Ile10611= (NM_133432.3); c.32034T>C, p.Ile10678= (NM_133437.4).
Identifiers: ClinVar variation 179600 (VCV000179600.24), dbSNP rs727504980, ClinGen allele CA184755.
Genomic context (GRCh38, chr2:178,593,647, plus strand): 5'-CATTGAATCAGACACCAGAGGATCACTTATTCCATACAGATTTTCAGCATGTATCCGGAA[A>G]ATATAATCTTTTCCTTCAAGTAGTTTAGAAACTTTGCATGTTGTTTTAGCACTTGCAGAT-3'
Protein context (NP_001254479.2, residues 19541-19561): VSKLLEGKDY[Ile19551=]FRIHAENLYG

ClinVar aggregate classification (germline): Conflicting classifications of pathogenicity. Review status: criteria provided, conflicting classifications (1 of 4 stars). 7 submissions from 7 submitters: Uncertain significance (1); Likely benign (6). Last evaluated 2025-11-27.

Conditions:
TTN-related disorder. Also called: TTN-related condition; TTN-related disease; TTN-related disorders.
Cardiovascular phenotype. Identifiers: MedGen CN230736.
Dilated cardiomyopathy 1G (CMD1G). Identifiers: Orphanet 154, MedGen C1858763, MONDO:0011400, OMIM 604145.
Autosomal recessive limb-girdle muscular dystrophy type 2J (LGMDR10). Also called: Limb-girdle muscular dystrophy, type 2J; MUSCULAR DYSTROPHY, LIMB-GIRDLE, AUTOSOMAL RECESSIVE 10. Identifiers: Orphanet 140922, MedGen C1837342, MONDO:0012127, OMIM 608807.

Allele frequency attached by ClinVar (database versions not stated): gnomAD exomes 0.00003 and 0.00002; ExAC 0.00001; gnomAD 0.00001; TOPMed 0.00001.
gnomAD v4.1: 40 of 1,613,018 alleles (0.0025%); highest among the groups gnomAD compares: Non-Finnish European, 0.0034%; 1 homozygote.

Submissions (7):

Labcorp Genetics (formerly Invitae), Labcorp
Classification: Likely benign for Dilated cardiomyopathy 1G; Autosomal recessive limb-girdle muscular dystrophy type 2J. Last evaluated: 2025-11-27. Review status: criteria provided, single submitter. Criteria: Invitae Variant Classification Sherloc (09022015). Collection method: clinical testing. Allele origin: germline.

PreventionGenetics, part of Exact Sciences
Classification: Likely benign for TTN-related condition. Last evaluated: 2025-06-19. Review status: criteria provided, single submitter. Criteria: ACMG Guidelines, 2015. Collection method: clinical testing. Allele origin: germline.
Comment: This variant is classified as likely benign based on ACMG/AMP sequence variant interpretation guidelines (Richards et al. 2015 PMID: 25741868, with internal and published modifications).

Molecular Diagnostic Laboratory for Inherited Cardiovascular Disease, Montreal Heart Institute
Classification: Likely benign. Last evaluated: 2025-04-09. Review status: criteria provided, single submitter. Criteria: ACMG Guidelines, 2015. Collection method: clinical testing. Allele origin: germline. Affected: no.

Blueprint Genetics
Classification: Likely benign. Last evaluated: 2024-10-30. Review status: criteria provided, single submitter. Criteria: ACMG Guidelines, 2015. Collection method: clinical testing. Allele origin: germline.

Ambry Genetics
Classification: Likely benign for Cardiovascular phenotype. Last evaluated: 2019-11-11. Review status: criteria provided, single submitter. Criteria: Ambry Variant Classification Scheme 2023. Collection method: clinical testing. Allele origin: germline.

Eurofins Ntd Llc (ga)
Classification: Uncertain significance. Last evaluated: 2017-07-27. Review status: criteria provided, single submitter. Criteria: EGL Classification Definitions 2015. Collection method: clinical testing. Allele origin: germline. Observed: 2 variant alleles, 2 heterozygotes.

Laboratory for Molecular Medicine, Mass General Brigham Personalized Medicine
Classification: Likely benign. Last evaluated: 2014-03-19. Review status: criteria provided, single submitter. Criteria: LMM Criteria. Collection method: clinical testing. Allele origin: germline. Observed: 1 variant allele.
Comment: Ile16983Ile in exon 247 of TTN: This variant is not expected to have clinical si gnificance because it does not alter an amino acid residue and is not located wi thin the splice consensus sequence. Ile16983Ile in exon 247 of TTN (allele fre quency = n/a)